The following is an entry in ClinVar:

NM_004304.5(ALK):c.79C>G (p.Gln27Glu)

Gene: ALK (ALK receptor tyrosine kinase; minus strand). Cytogenetic location: 2p23.1.
Variant type: single nucleotide variant.
Coding change: c.79C>G on transcript NM_004304.5 (MANE Select); coding-DNA position 79, C replaced by G.
Protein change: p.Gln27Glu; replaces glutamine 27 with glutamic acid.
Molecular consequence: missense variant.
Genome position (GRCh38, 1-based): chr2:29,920,581, G>C on the plus strand (C>G on the coding strand, the complement: ALK is on the minus strand). VCF-style: chr2-29920581-G-C. GRCh37 (hg19) VCF-style: chr2-30143447-G-C.
Other names: short protein forms Q27E.
Identifiers: ClinVar variation 654877 (VCV000654877.11), dbSNP rs1469224885, ClinGen allele CA346590732.

ClinVar aggregate classification (germline): Uncertain significance. Review status: criteria provided, multiple submitters, no conflicts (2 of 4 stars). 2 submissions from 2 submitters: Uncertain significance (2). Last evaluated 2026-01-19.

Conditions:
Neuroblastoma, susceptibility to, 3. Also called: ALK-Related Neuroblastic Tumor Susceptibility. Identifiers: Orphanet 635, MedGen C2751681, MONDO:0013083, OMIM 613014.
Hereditary cancer-predisposing syndrome. Also called: Neoplastic Syndromes, Hereditary; Hereditary neoplastic syndrome; Hereditary Cancer Syndrome; Tumor predisposition. Identifiers: Orphanet 140162, MedGen C0027672, MeSH D009386, MONDO:0015356.

Allele frequency attached by ClinVar (database versions not stated): gnomAD 0.00001; TOPMed 0.00001.
gnomAD v4.1: 7 of 1,581,132 alleles (0.00044%); highest among the groups gnomAD compares: Non-Finnish European, 0.0006%; no homozygotes.

Submissions (2):

Labcorp Genetics (formerly Invitae), Labcorp
Classification: Uncertain significance for Neuroblastoma, susceptibility to, 3. Last evaluated: 2026-01-19. Review status: criteria provided, single submitter. Criteria: Invitae Variant Classification Sherloc (09022015). Collection method: clinical testing. Allele origin: germline.
Comment: This sequence change replaces glutamine, which is neutral and polar, with glutamic acid, which is acidic and polar, at codon 27 of the ALK protein (p.Gln27Glu). This variant is not present in population databases (gnomAD no frequency). This variant has not been reported in the literature in individuals affected with ALK-related conditions. ClinVar contains an entry for this variant (Variation ID: 654877). An algorithm developed to predict the effect of missense changes on protein structure and function (PolyPhen-2) suggests that this variant is likely to be tolerated. In summary, the available evidence is currently insufficient to determine the role of this variant in disease. Therefore, it has been classified as a Variant of Uncertain Significance.

Ambry Genetics
Classification: Uncertain significance for Hereditary cancer-predisposing syndrome. Last evaluated: 2024-03-02. Review status: criteria provided, single submitter. Criteria: Ambry Variant Classification Scheme 2023. Collection method: clinical testing. Allele origin: germline.
Comment: The p.Q27E variant (also known as c.79C>G), located in coding exon 1 of the ALK gene, results from a C to G substitution at nucleotide position 79. The glutamine at codon 27 is replaced by glutamic acid, an amino acid with highly similar properties. This amino acid position is conserved. In addition, this alteration is predicted to be tolerated by in silico analysis. Since supporting evidence is limited at this time, the clinical significance of this alteration remains unclear.